The following is an entry in ClinVar:

NM_001377229.1(DISP1):c.1440C>T (p.Gly480=)

Gene: DISP1 (dispatched RND transporter family member 1; plus strand). Cytogenetic location: 1q41.
Variant type: single nucleotide variant.
Coding change: c.1440C>T on transcript NM_001377229.1 (MANE Select); coding-DNA position 1440, C replaced by T.
Protein change: p.Gly480=; no amino-acid change (glycine 480 retained).
Molecular consequence: synonymous variant.
Genome position (GRCh38, 1-based): chr1:223,002,837, C>T. VCF-style: chr1-223002837-C-T. GRCh37 (hg19) VCF-style: chr1-223176179-C-T.
Other names: c.1440C>T (NM_032890.3); c.711C>T, p.Gly237= (NM_001350630.2); c.1440C>T, p.Gly480= (NM_001369594.1, NM_001377228.1, NM_032890.5).
Identifiers: ClinVar variation 2915235 (VCV002915235.4), dbSNP rs374203038, ClinGen allele CA1409070.

ClinVar aggregate classification (germline): Benign/Likely benign. Review status: criteria provided, multiple submitters, no conflicts (2 of 4 stars). 2 submissions from 2 submitters: Benign (1); Likely benign (1). Last evaluated 2025-02-19.

Conditions:
DISP1-related disorder. Also called: DISP1-related condition.

Allele frequency attached by ClinVar (database versions not stated): ESP Exome Variant Server 0.00008; gnomAD 0.00017; gnomAD exomes 0.00022; ExAC 0.00040; 1000 Genomes Project 0.00100; 1000 Genomes Project 30x 0.00109.
gnomAD v4.1: 343 of 1,613,926 alleles (0.021%); highest among the groups gnomAD compares: South Asian, 0.27%; 5 homozygotes.

Submissions (2):

PreventionGenetics, part of Exact Sciences
Classification: Likely benign for DISP1-related condition. Last evaluated: 2025-02-19. Review status: criteria provided, single submitter. Criteria: ACMG Guidelines, 2015. Collection method: clinical testing. Allele origin: germline.
Comment: This variant is classified as likely benign based on ACMG/AMP sequence variant interpretation guidelines (Richards et al. 2015 PMID: 25741868, with internal and published modifications).

Labcorp Genetics (formerly Invitae), Labcorp
Classification: Benign. Last evaluated: 2024-09-27. Review status: criteria provided, single submitter. Criteria: Invitae Variant Classification Sherloc (09022015). Collection method: clinical testing. Allele origin: germline.